The following is an entry in ClinVar:

ClinVar aggregate classification (germline): Uncertain significance (1 of 4 stars; one submission).

Conditions:
SMC3-related disorder. Also called: SMC3-related condition.

gnomAD v4.1: 1 of 1,612,740 alleles (0.000062%); highest among the groups gnomAD compares: Non-Finnish European, 0.000085%; no homozygotes.

Submission:

PreventionGenetics, part of Exact Sciences
Classification: Uncertain significance for SMC3-related condition. Last evaluated: 2026-01-20. Review status: criteria provided, single submitter. Criteria: ACMG Guidelines, 2015. Collection method: clinical testing. Allele origin: germline.
Comment: The SMC3 c.2268+5G>T variant is predicted to interfere with splicing. This variant is predicted to alter splicing based on available splicing prediction software (SpliceAI, Jaganathan et al. 2019. PubMed ID: 30661751). However, the use of computer prediction software is not equivalent to functional evidence. To our knowledge, this variant has not been reported in the literature or in a large population database (gnomAD), indicating this variant is rare. At this time, the clinical significance of this variant is uncertain due to the absence of conclusive functional and genetic evidence.

NM_005445.4(SMC3):c.2268+5G>T

Gene: SMC3 (structural maintenance of chromosomes 3; plus strand). Cytogenetic location: 10q25.2.
Variant type: single nucleotide variant.
Coding change: c.2268+5G>T on transcript NM_005445.4 (MANE Select); 5 bases into the intron after coding-DNA position 2268, G replaced by T.
Molecular consequence: intron variant.
Genome position (GRCh38, 1-based): chr10:110,598,295, G>T. VCF-style: chr10-110598295-G-T. GRCh37 (hg19) VCF-style: chr10-112358053-G-T.
Identifiers: ClinVar variation 4993900 (VCV004993900.1).
Genomic context (GRCh38, chr10:110,598,295, plus strand): 5'-AAATGAAGATGCTAAAAGAGAAGAGGCAGCAGTCAGAGAAAACCTTCATGCCTAAGGTTC[G>T]TAAGTATATCTTTGGTTATAGATCGATTGTTACAGATTAATAATATGGAAATATGAATCA-3'